The following is an entry in ClinVar:

ClinVar aggregate classification (germline): Benign/Likely benign. Review status: criteria provided, multiple submitters, no conflicts (2 of 4 stars). 5 submissions from 5 submitters: Benign (3); Likely benign (2). Last evaluated 2026-05-11.

Conditions:
Thyroid dyshormonogenesis 1. Also called: HYPOTHYROIDISM, CONGENITAL, DUE TO DYSHORMONOGENESIS, 1; IODINE ACCUMULATION, TRANSPORT, OR TRAPPING DEFECT; Familial thyroid dyshormonogenesis 1; THYROID HORMONOGENESIS, GENETIC DEFECT IN, 1. Identifiers: Orphanet 95716, MedGen C1848805, MONDO:0020716, OMIM 274400.

Allele frequency attached by ClinVar (database versions not stated): 1000 Genomes Project 30x 0.01905; gnomAD 0.01927 and 0.02076; 1000 Genomes Project 0.01977; ESP Exome Variant Server 0.01621; TOPMed 0.02166.

Submissions (5):

Women's Health and Genetics/Laboratory Corporation of America, LabCorp
Classification: Benign. Last evaluated: 2026-05-11. Review status: criteria provided, single submitter. Criteria: LabCorp Variant Classification Summary - May 2015. Collection method: clinical testing. Allele origin: germline.

Labcorp Genetics (formerly Invitae), Labcorp
Classification: Benign. Last evaluated: 2026-01-28. Review status: criteria provided, single submitter. Criteria: Invitae Variant Classification Sherloc (09022015). Collection method: clinical testing. Allele origin: germline.

Illumina Laboratory Services, Illumina
Classification: Likely benign for Thyroid dyshormonogenesis 1. Last evaluated: 2018-01-13. Review status: criteria provided, single submitter. Criteria: ICSL Variant Classification Criteria 13 December 2019. Collection method: clinical testing. Allele origin: germline.
Comment: This variant was observed in the ICSL laboratory as part of a predisposition screen in an ostensibly healthy population. It had not been previously curated by ICSL or reported in the Human Gene Mutation Database (HGMD: prior to June 1st, 2018), and was therefore a candidate for classification through an automated scoring system. Utilizing variant allele frequency, disease prevalence and penetrance estimates, and inheritance mode, an automated score was calculated to assess if this variant is too frequent to cause the disease. Based on the score and internal cut-off values, a variant classified as likely benign is not then subjected to further curation. The score for this variant resulted in a classification of likely benign for this disease.

Breakthrough Genomics
Classification: Likely benign. Review status: criteria provided, single submitter. Criteria: ACMG Guidelines, 2015. Collection method: not provided. Allele origin: germline. Inheritance: Autosomal recessive inheritance. Affected: yes.

PreventionGenetics, part of Exact Sciences
Classification: Benign. Review status: criteria provided, single submitter. Criteria: ACMG Guidelines, 2015. Collection method: clinical testing. Allele origin: germline.

NM_000453.3(SLC5A5):c.1330-15C>T

Gene: SLC5A5 (solute carrier family 5 member 5; plus strand). Cytogenetic location: 19p13.11.
Variant type: single nucleotide variant.
Coding change: c.1330-15C>T on transcript NM_000453.3 (MANE Select); 15 bases into the intron before coding-DNA position 1330, C replaced by T.
Molecular consequence: intron variant.
Genome position (GRCh38, 1-based): chr19:17,883,835, C>T. VCF-style: chr19-17883835-C-T. GRCh37 (hg19) VCF-style: chr19-17994644-C-T.
Identifiers: ClinVar variation 256197 (VCV000256197.11), dbSNP rs77947605, ClinGen allele CA9303152.